The following is an entry in ClinVar:

NM_000138.5(FBN1):c.6512C>T (p.Ser2171Phe)

Gene: FBN1 (fibrillin 1; minus strand). Cytogenetic location: 15q21.1.
Variant type: single nucleotide variant.
Coding change: c.6512C>T on transcript NM_000138.5 (MANE Select); coding-DNA position 6512, C replaced by T.
Protein change: p.Ser2171Phe; replaces serine 2171 with phenylalanine.
Molecular consequence: missense variant.
Genome position (GRCh38, 1-based): chr15:48,434,698, G>A on the plus strand (C>T on the coding strand, the complement: FBN1 is on the minus strand). VCF-style: chr15-48434698-G-A. GRCh37 (hg19) VCF-style: chr15-48726895-G-A.
Other names: short protein forms S2171F.
Identifiers: ClinVar variation 857010 (VCV000857010.14), dbSNP rs1413266501, ClinGen allele CA392335233.

ClinVar aggregate classification (germline): Uncertain significance. Review status: criteria provided, multiple submitters, no conflicts (2 of 4 stars). 5 submissions from 5 submitters: Uncertain significance (5). Last evaluated 2026-09-02.

Conditions:
MASS syndrome (OCTD). Also called: MASS PHENOTYPE; OVERLAP CONNECTIVE TISSUE DISEASE. Identifiers: MedGen C1858556, MONDO:0011431, OMIM 604308.
Progeroid and marfanoid aspect-lipodystrophy syndrome. Also called: MARFANOID-PROGEROID SYNDROME; MARFAN-PROGEROID-LIPODYSTROPHY SYNDROME; Marfan lipodystrophy syndrome; MARFANOID-PROGEROID-LIPODYSTROPHY SYNDROME. Identifiers: Orphanet 300382, MedGen C4310796, MONDO:0014831, OMIM 616914.
Weill-Marchesani syndrome 2, dominant. Also called: Weill-Marchesani Syndrome, Autosomal Dominant; FBN1-Related Weill-Marchesani Syndrome. Identifiers: Orphanet 2084, MedGen C1869115, MONDO:0012013, OMIM 608328.
Acromicric dysplasia (ACMICD). Also called: Acromicric skeletal dysplasia. Identifiers: Orphanet 969, MedGen C0265287, MONDO:0007055, OMIM 102370.
Ectopia lentis 1, isolated, autosomal dominant (ECTOL1). Identifiers: Orphanet 1885, MedGen C3541518, MONDO:0007514, OMIM 129600.
Marfan syndrome (MFS). Also called: MARFAN SYNDROME, TYPE I; Marfan syndrome type 1; Marfan's syndrome; Marfan syndrome, classic; FBN1-Related Marfan Syndrome. Identifiers: Orphanet 284963, Orphanet 558, MedGen C0024796, MONDO:0007947, OMIM 154700.
Stiff skin syndrome (SSKS). Identifiers: Orphanet 2833, MedGen C1861456, MONDO:0008492, OMIM 184900.
Geleophysic dysplasia 2 (GPHYSD2). Identifiers: Orphanet 2623, MedGen C3280054, MONDO:0013612, OMIM 614185.
Familial thoracic aortic aneurysm and aortic dissection (TAAD). Also called: Thoracic aortic aneurysms and dissections. Identifiers: Orphanet 91387, MedGen C4707243, MONDO:0019625.

Allele frequency attached by ClinVar (database versions not stated): gnomAD exomes below 0.00001.
gnomAD v4.1: 1 of 1,613,676 alleles (0.000062%); highest among the groups gnomAD compares: Admixed American, 0.0017%; no homozygotes.

Submissions (5):

Ambry Genetics
Classification: Uncertain significance for Familial thoracic aortic aneurysm and aortic dissection. Last evaluated: 2026-09-02. Review status: criteria provided, single submitter. Criteria: Ambry Variant Classification Scheme 2023. Collection method: clinical testing. Allele origin: germline.

Color Diagnostics, LLC DBA Color Health
Classification: Uncertain significance for Familial thoracic aortic aneurysm and aortic dissection. Last evaluated: 2024-03-19. Review status: criteria provided, single submitter. Criteria: ACMG Guidelines, 2015. Collection method: clinical testing. Allele origin: germline.
Comment: This missense variant replaces serine with phenylalanine at codon 2171 of the FBN1 protein. Computational prediction is inconclusive regarding the impact of this variant on protein structure and function. To our knowledge, functional studies have not been reported for this variant. This variant has not been reported in individuals affected with FBN1-related disorders in the literature. This variant has been identified in 1/251122 chromosomes in the general population by the Genome Aggregation Database (gnomAD). The available evidence is insufficient to determine the role of this variant in disease conclusively. Therefore, this variant is classified as a Variant of Uncertain Significance.

All of Us Research Program, National Institutes of Health
Classification: Uncertain significance for Marfan syndrome. Last evaluated: 2023-11-30. Review status: criteria provided, single submitter. Criteria: ACMG Guidelines, 2015. Collection method: clinical testing. Allele origin: germline. Inheritance: Autosomal dominant inheritance. Observed: 1 variant allele, 1 heterozygote.
Comment: This study involves interpretation of variants in research participants for the purpose of population health screening. Participant phenotype was not available at the time of variant classification. Additional details can be found in publication PMID: 35346344, PMCID: PMC8962531

Labcorp Genetics (formerly Invitae), Labcorp
Classification: Uncertain significance for Marfan syndrome; Familial thoracic aortic aneurysm and aortic dissection. Last evaluated: 2022-08-16. Review status: criteria provided, single submitter. Criteria: Invitae Variant Classification Sherloc (09022015). Collection method: clinical testing. Allele origin: germline.
Comment: In summary, the available evidence is currently insufficient to determine the role of this variant in disease. Therefore, it has been classified as a Variant of Uncertain Significance. Algorithms developed to predict the effect of missense changes on protein structure and function are either unavailable or do not agree on the potential impact of this missense change (SIFT: "Deleterious"; PolyPhen-2: "Possibly Damaging"; Align-GVGD: "Class C0"). ClinVar contains an entry for this variant (Variation ID: 857010). This variant has not been reported in the literature in individuals affected with FBN1-related conditions. This variant is present in population databases (no rsID available, gnomAD 0.003%). This sequence change replaces serine, which is neutral and polar, with phenylalanine, which is neutral and non-polar, at codon 2171 of the FBN1 protein (p.Ser2171Phe).

Fulgent Genetics
Classification: Uncertain significance for Acromicric dysplasia; Ectopia lentis 1, isolated, autosomal dominant; Marfan syndrome; Stiff skin syndrome; MASS syndrome; Weill-Marchesani syndrome 2, dominant; Geleophysic dysplasia 2; Progeroid and marfanoid aspect-lipodystrophy syndrome. Last evaluated: 2021-11-20. Review status: criteria provided, single submitter. Criteria: ACMG Guidelines, 2015. Collection method: clinical testing. Allele origin: unknown.